The following is an entry in ClinVar:

NM_003742.4(ABCB11):c.3772C>T (p.Gln1258Ter)

Gene: ABCB11 (ATP binding cassette subfamily B member 11; minus strand). Cytogenetic location: 2q31.1.
Variant type: single nucleotide variant.
Coding change: c.3772C>T on transcript NM_003742.4 (MANE Select); coding-DNA position 3772, C replaced by T.
Protein change: p.Gln1258Ter; replaces glutamine 1258 with a stop codon.
Molecular consequence: nonsense.
Genome position (GRCh38, 1-based): chr2:168,923,816, G>A on the plus strand (C>T on the coding strand, the complement: ABCB11 is on the minus strand). VCF-style: chr2-168923816-G-A. GRCh37 (hg19) VCF-style: chr2-169780326-G-A.
Other names: short protein forms Q1258*.
Identifiers: ClinVar variation 1075698 (VCV001075698.10), dbSNP rs769983873, ClinGen allele CA1950925.

ClinVar aggregate classification (germline): Pathogenic/Likely pathogenic. Review status: criteria provided, multiple submitters, no conflicts (2 of 4 stars). 4 submissions from 4 submitters: Pathogenic (1); Likely pathogenic (3). Last evaluated 2026-04-14.

Conditions:
Familial intrahepatic cholestasis. Identifiers: Orphanet 284385, MedGen CN296401, MONDO:0017290.
Progressive familial intrahepatic cholestasis type 2. Identifiers: Orphanet 79304, MedGen C3489789, MONDO:0011156, OMIM 601847.
Benign recurrent intrahepatic cholestasis type 2 (BRIC2). Also called: Recurrent familial intrahepatic cholestasis 2. Identifiers: Orphanet 65682, Orphanet 99961, MedGen C2608083, MONDO:0011559, OMIM 605479.

Allele frequency attached by ClinVar (database versions not stated): gnomAD exomes 0.00001; ExAC 0.00002.

Submissions (4):

Genomenon, Inc
Classification: Likely pathogenic for Familial intrahepatic cholestasis. Last evaluated: 2026-04-14. Review status: criteria provided, single submitter. Criteria: Genomenon Sequence Variant Interpretation Standards - Updated. Collection method: curation. Allele origin: germline. Affected: yes.
Comment: ABCB11 p.Gln1258Ter (c.3772C>T) is a nonsense variant that introduces a premature stop codon at amino acid position 1258, creating a truncated protein. This variant has been observed in at least one proband with an ABCB11-related disorder (PMID:37697751). It is absent or not present at a significant frequency in gnomAD. In conclusion, we classify ABCB11 p.Gln1258Ter (c.3772C>T) as a likely pathogenic variant.

Baylor Genetics
Classification: Likely pathogenic for Benign recurrent intrahepatic cholestasis type 2. Last evaluated: 2024-03-15. Review status: criteria provided, single submitter. Criteria: ACMG Guidelines, 2015. Collection method: clinical testing. Allele origin: unknown.

Labcorp Genetics (formerly Invitae), Labcorp
Classification: Pathogenic. Last evaluated: 2020-09-19. Review status: criteria provided, single submitter. Criteria: Invitae Variant Classification Sherloc (09022015). Collection method: clinical testing. Allele origin: germline.
Comment: This sequence change results in a premature translational stop signal in the ABCB11 gene (p.Gln1258*). While this is not anticipated to result in nonsense mediated decay, it is expected to disrupt the last 64 amino acids of the ABCB11 protein. The frequency data for this variant in the population databases is considered unreliable, as metrics indicate poor data quality at this position in the ExAC database. This variant has not been reported in the literature in individuals with ABCB11-related conditions. Algorithms developed to predict the effect of sequence changes on RNA splicing suggest that this variant may create or strengthen a splice site, but this prediction has not been confirmed by published transcriptional studies. This variant disrupts the C-terminus of the ABCB11 protein. Other variant(s) that disrupt this region (p.Glu1302*) have been determined to be pathogenic (PMID: 18395098, 31015375). This suggests that variants that disrupt this region of the protein are likely to be causative of disease. For these reasons, this variant has been classified as Pathogenic.

Neuberg Centre For Genomic Medicine, NCGM
Classification: Likely pathogenic for Progressive familial intrahepatic cholestasis type 2. Review status: criteria provided, single submitter. Criteria: ACMG Guidelines, 2015. Collection method: clinical testing. Allele origin: germline. Inheritance: Autosomal recessive inheritance. Affected: yes.
Comment: The stop gained variant c.3772C>T (p.Gln1258Ter) in ABCB11 gene has been submitted to ClinVar as Pathogenic, but no details are available for independent assessment. This variant disrupts the C-terminus of the ABCB11 protein. Other variant(s) that disrupt this region (p.Glu1302*) have been determined to be pathogenic (Fotoulaki M et al., 2019). This suggests that variants that disrupt this region of the protein are likely to be causative of disease. The p.Gln1258Ter variant has allele frequency 0.0008% in gnomAD exomes and is novel (not in any individuals) in 1000 Genomes. This variant has been reported to the ClinVar database as Pathogenic. This variant is predicted to cause loss of normal protein function through protein truncation. Loss of function variants have been previously reported to be disease causing. The nucleotide change c.3772C>T in ABCB11 is predicted as conserved by GERP++ and PhyloP across 100 vertebrates. This variant is present in the last exon functional studies will be required to prove protein truncation. For these reasons, this variant has been classified as Likely Pathogenic.

Literature cited by the submitters: PubMed 37697751 (cited by Genomenon, Inc); PubMed 18395098 (cited by Labcorp Genetics (formerly Invitae), Labcorp); PubMed 31015375 (cited by Labcorp Genetics (formerly Invitae), Labcorp).